The following continues an entry in ClinVar:

NM_001171.6(ABCC6):c.1171A>G (p.Arg391Gly)

Gene: ABCC6. ClinVar aggregate classification (germline): Conflicting classifications of pathogenicity. Pathogenic (2); Likely pathogenic (2); Uncertain significance (13); Likely benign (2).

Submission 21 of 21:

Department of Pathology and Laboratory Medicine, Sinai Health System
Classification: Uncertain significance. Review status: no assertion criteria provided. Collection method: clinical testing. Allele origin: unknown. Affected: yes. Study: The Canadian Open Genetics Repository (COGR). Not counted in ClinVar's aggregate classification.
Comment: The ABCC6 p.Arg391Gly variant was identified in 10 of 852 proband chromosomes (frequency: 0.0117) from individuals with Pseudoxanthoma Elasticum (PXE) and Generalized Arterial Calcification of Infancy (GACI) (Nitschke_2012_PMID: 22209248; Chassaing_2004_PMID: 15086542; Pfendner_2007_PMID:17617515; Schulz_2006_PMID: 16835894; Miksch_2006_PMID:168358954). The R391G variant was also identified in 3 of 7 families affected with PXE, found in the compound heterozygous state. In two of these families the clinical manifestation of PXE was less severe, and one individual was asymptomatic but may not have presented with disease yet (Ringpfeil_2006_PMID:16410789). Therefore the R391G may contribute to a less severe form of the disorder. The variant was also identified in dbSNP (ID: rs72653762), LOVD 3.0 and ClinVar (classified as pathogenic by GeneDx and PXE International and as a VUS by EGL Genetics, Laboratory for Molecular Medicine, CeGaT Praxis fuer Humangenetik Tuebingen and Genomic Research Center, Shahid Beheshti University of Medical Sciences). The variant was identified in control databases in 1545 of 282338 chromosomes (5 homozygous) at a frequency of 0.005472 increasing the likelihood this could be a low frequency benign variant (Genome Aggregation Database Feb 27, 2017). The variant occurs outside of the splicing consensus sequence and 2 of 4 in silico or computational prediction software programs (SpliceSiteFinder, MaxEntScan, NNSPLICE, GeneSplicer) predict a greater than 10% difference in splicing; this is not very predictive of pathogenicity. The variant was observed in the following populations: European (non-Finnish) in 1021 of 128772 chromosomes (freq: 0.007929), South Asian in 235 of 30614 chromosomes (freq: 0.007676), Other in 44 of 7218 chromosomes (freq: 0.006096), European (Finnish) in 95 of 25122 chromosomes (freq: 0.003782), Latino in 108 of 35440 chromosomes (freq: 0.003047), African in 40 of 24870 chromosomes (freq: 0.001608) and Ashkenazi Jewish in 2 of 10358 chromosomes (freq: 0.000193), while the variant was not observed in the East Asian population. The p.Arg391 residue is conserved in mammals but not in more distantly related organisms, and four out of five computational analyses (PolyPhen-2, SIFT, AlignGVGD, BLOSUM, MutationTaster) suggest that the variant may impact the protein; however, this information is not predictive enough to assume pathogenicity. In summary, based on the above information the clinical significance of this variant cannot be determined with certainty at this time. This variant is classified as a variant of uncertain significance.

Literature cited by the submitters: PubMed 15086542 (cited by 7 submitters); PubMed 22209248 (cited by 4 submitters); PubMed 24008425 (cited by Mayo Clinic Laboratories, Mayo Clinic and Institute of Human Genetics, Univ. Regensburg, Univ. Regensburg); PubMed 28655553 (cited by Mayo Clinic Laboratories, Mayo Clinic and Institute of Human Genetics, Univ. Regensburg, Univ. Regensburg); PubMed 29722917 (cited by Mayo Clinic Laboratories, Mayo Clinic and Institute of Human Genetics, Univ. Regensburg, Univ. Regensburg); PubMed 31847883 (cited by Mayo Clinic Laboratories, Mayo Clinic and Institute of Human Genetics, Univ. Regensburg, Univ. Regensburg); PubMed 32442430 (cited by 3 submitters); PubMed 32818659 (cited by Mayo Clinic Laboratories, Mayo Clinic and Institute of Human Genetics, Univ. Regensburg, Univ. Regensburg); PubMed 34148116 (cited by Mayo Clinic Laboratories, Mayo Clinic and Institute of Human Genetics, Univ. Regensburg, Univ. Regensburg); PubMed 34906475 (cited by 3 submitters); PubMed 35525997 (cited by Mayo Clinic Laboratories, Mayo Clinic and Institute of Human Genetics, Univ. Regensburg, Univ. Regensburg); PubMed 36317459 (cited by 5 submitters); PubMed 39015234 (cited by Mayo Clinic Laboratories, Mayo Clinic and Johns Hopkins Genomics, Johns Hopkins University); PubMed 18513494 (cited by OLLIN Analises Genomicas, OLLIN and Women's Health and Genetics/Laboratory Corporation of America, LabCorp); PubMed 16410789 (cited by 3 submitters); PubMed 16835894 (cited by 3 submitters); PubMed 34205333 (cited by Institute of Human Genetics, Univ. Regensburg, Univ. Regensburg); PubMed 33005041 (cited by Institute of Human Genetics, Univ. Regensburg, Univ. Regensburg); PubMed 34426522 (cited by Institute of Human Genetics, Univ. Regensburg, Univ. Regensburg); PubMed 33820832 (cited by Institute of Human Genetics, Univ. Regensburg, Univ. Regensburg); PubMed 35869530 (cited by Institute of Human Genetics, Univ. Regensburg, Univ. Regensburg); PubMed 36411388 (cited by Institute of Human Genetics, Univ. Regensburg, Univ. Regensburg); PubMed 35261845 (cited by Institute of Human Genetics, Univ. Regensburg, Univ. Regensburg); PubMed 16086317 (cited by Laboratory for Molecular Medicine, Mass General Brigham Personalized Medicine); PubMed 14631379 (cited by Laboratory for Molecular Medicine, Mass General Brigham Personalized Medicine); PubMed 11536079 (cited by Laboratory for Molecular Medicine, Mass General Brigham Personalized Medicine); PubMed 17617515 (cited by Laboratory for Molecular Medicine, Mass General Brigham Personalized Medicine); PubMed 11702217 (cited by Laboratory for Molecular Medicine, Mass General Brigham Personalized Medicine); PubMed 32873932 (cited by PXE International).